The following is an entry in ClinVar:

NM_001278293.3(ARL6):c.350-2A>C

Gene: ARL6 (ARF like GTPase 6; plus strand). Cytogenetic location: 3q11.2.
Variant type: single nucleotide variant.
Coding change: c.350-2A>C on transcript NM_001278293.3 (MANE Select); the canonical splice acceptor site of the intron before coding-DNA position 350, A replaced by C.
Molecular consequence: splice acceptor variant.
Genome position (GRCh38, 1-based): chr3:97,787,988, A>C. VCF-style: chr3-97787988-A-C. GRCh37 (hg19) VCF-style: chr3-97506832-A-C.
Other names: c.350-2A>C (NM_032146.5, NM_177976.3, NM_001323513.2 and 1 more transcripts).
Identifiers: ClinVar variation 2098982 (VCV002098982.6), dbSNP rs2529972867, ClinGen allele CA353587873.
Genomic context (GRCh38, chr3:97,787,988, plus strand): 5'-GATTTGCTGCAAAATGACCTAAAAAGCTGGAAGTGTGATGATAATCTTATTTTCTCTTTT[A>C]GATATTAAACACCGTCGAATTCCAATCTTATTCTTTGCAAATAAAATGGATCTTAGAGAT-3'

ClinVar aggregate classification (germline): Pathogenic/Likely pathogenic. Review status: criteria provided, multiple submitters, no conflicts (2 of 4 stars). 3 submissions from 3 submitters: Pathogenic (1); Likely pathogenic (1). 1 of the submissions does not count toward it. Last evaluated 2025-05-14.

Conditions:
Retinitis pigmentosa 55 (RP55). Identifiers: Orphanet 791, MedGen C3150808, MONDO:0013312, OMIM 613575.
Bardet-Biedl syndrome 3 (BBS3). Identifiers: Orphanet 110, MedGen C1859564, MONDO:0010832, OMIM 600151.
ARL6-related disorder. Also called: ARL6-related condition.

Allele frequency attached by ClinVar (database versions not stated): gnomAD exomes below 0.00001.
gnomAD v4.1: 1 of 1,613,140 alleles (0.000062%); highest among the groups gnomAD compares: Admixed American, 0.0017%; no homozygotes.

Submissions (3):

Dasa
Classification: Pathogenic. Last evaluated: 2025-05-14. Review status: criteria provided, single submitter. Criteria: DASA Assertion Criteria. Collection method: clinical testing. Allele origin: germline.
Comment: NM_001278293.3(ARL6):c.350-2A>C introduces a premature termination codon predicted to result in loss of normal protein function. Loss-of-function is an established mechanism of disease for this gene. This variant has been observed in affected individuals with related phenotype in a genotype context consistent with recessive disease (PMID: 37217489). This variant has been reported in individuals with related phenotype (PMID: 37217489). The variant is present at low frequency in population datasets. Based on the available data, this variant is classified as pathogenic.

Labcorp Genetics (formerly Invitae), Labcorp
Classification: Likely pathogenic for Retinitis pigmentosa 55; Bardet-Biedl syndrome 3. Last evaluated: 2022-07-08. Review status: criteria provided, single submitter. Criteria: Invitae Variant Classification Sherloc (09022015). Collection method: clinical testing. Allele origin: germline.
Comment: In summary, the currently available evidence indicates that the variant is pathogenic, but additional data are needed to prove that conclusively. Therefore, this variant has been classified as Likely Pathogenic. Algorithms developed to predict the effect of sequence changes on RNA splicing suggest that this variant may disrupt the consensus splice site. This variant has not been reported in the literature in individuals affected with ARL6-related conditions. This variant is not present in population databases (gnomAD no frequency). This sequence change affects an acceptor splice site in intron 6 of the ARL6 gene. It is expected to disrupt RNA splicing. Variants that disrupt the donor or acceptor splice site typically lead to a loss of protein function (PMID: 16199547), and loss-of-function variants in ARL6 are known to be pathogenic (PMID: 15258860, 19858128, 20142850, 22334370, 27486776, 31736247).

PreventionGenetics, part of Exact Sciences
Classification: Likely pathogenic for ARL6-related condition. Last evaluated: 2024-01-09. Review status: no assertion criteria provided. Collection method: clinical testing. Allele origin: germline. Not counted in ClinVar's aggregate classification.
Comment: The ARL6 c.350-2A>C variant is predicted to disrupt the AG splice acceptor site and interfere with normal splicing. This variant, along with a truncating ARL6 variant, has been reported in an individual with retinitis pigmentosa (Table S1: ID 200, Schlottmann et al. 2023. PubMed ID: 37217489). This variant has not been reported in a large population database, indicating this variant is rare. Variants that disrupt the consensus splice acceptor site in ARL6 are expected to be pathogenic. This variant is interpreted as likely pathogenic.

Literature cited by the submitters: PubMed 37217489 (cited by Dasa); PubMed 16199547 (cited by Labcorp Genetics (formerly Invitae), Labcorp); PubMed 15258860 (cited by Labcorp Genetics (formerly Invitae), Labcorp); PubMed 19858128 (cited by Labcorp Genetics (formerly Invitae), Labcorp); PubMed 20142850 (cited by Labcorp Genetics (formerly Invitae), Labcorp); PubMed 22334370 (cited by Labcorp Genetics (formerly Invitae), Labcorp); PubMed 27486776 (cited by Labcorp Genetics (formerly Invitae), Labcorp); PubMed 31736247 (cited by Labcorp Genetics (formerly Invitae), Labcorp).